The following is an entry in ClinVar:

NM_016038.4(SBDS):c.297_300del (p.Glu99fs)

Gene: SBDS (SBDS ribosome maturation factor; minus strand). Cytogenetic location: 7q11.21.
Variant type: Microsatellite.
Coding change: c.297_300del on transcript NM_016038.4 (MANE Select); coding-DNA positions 297 to 300, 4 bases deleted (AAGA; older notation c.297_300delAAGA).
Protein change: p.Glu99fs; shifts the reading frame from glutamic acid 99.
Molecular consequence: frameshift variant.
Genome position (GRCh38, 1-based): chr7:66,993,376-66,993,379, TCTT deleted on the plus strand (AAGA on the coding strand, the reverse complement: SBDS is on the minus strand); deleting any 4 consecutive bases within chr7:66,993,376-66,993,384 gives the same sequence; the c. name uses the placement nearest the transcript's 3' end. VCF-style (leftmost placement, unchanged base first): chr7-66993375-GTCTT-G. GRCh37 (hg19) VCF-style: chr7-66458362-GTCTT-G.
Other names: NM_016038.4(SBDS):c.297_300del; p.Glu99fs; c.297_300del (NM_016038.2); short protein forms E99fs.
Identifiers: ClinVar variation 21539 (VCV000021539.17), dbSNP rs113993994, ClinGen allele CA342198.

ClinVar aggregate classification (germline): Pathogenic. Review status: criteria provided, multiple submitters, no conflicts (2 of 4 stars). 10 submissions from 10 submitters: Pathogenic (5). 5 of the submissions do not count toward it. Last evaluated 2025-02-07.

Conditions:
SBDS-related disorder. Also called: SBDS-related condition.
Shwachman-Diamond syndrome 1 (SDS1). Also called: LIPOMATOSIS OF PANCREAS, CONGENITAL. Identifiers: MedGen C4692625, MONDO:0044204, OMIM 260400.
Aplastic anemia. Identifiers: Orphanet 182040, Orphanet 88, MedGen C0002874, MONDO:0015909, OMIM 609135, HP:0001915.

Submissions (10):

Broad Center for Mendelian Genomics, Broad Institute of MIT and Harvard
Classification: Pathogenic for Shwachman-Diamond syndrome 1. Last evaluated: 2025-02-07. Review status: criteria provided, single submitter. Criteria: ACMG Guidelines, 2015. Collection method: curation. Allele origin: germline. Inheritance: Autosomal recessive inheritance.
Comment: The p.Glu99AspfsTer21 variant has been reported in 4 individuals with Shwachman-Diamond syndrome (PMID: 15769891, 14749921, 15942154), and has been identified in 0.001% (16/1180000) of European (non-Finnish) chromosomes by the Genome Aggregation Database (gnomAD; dbSNP rs113993994). Although this variant has been seen in the general population in a heterozygous state, its frequency is low enough to be consistent with a recessive carrier frequency. The presence of a known pseudogene, SBDSP1, can impact the reliability of allele frequencies. This variant has also been reported in ClinVar (Variation ID: 21539) and has been interpreted as pathogenic by multiple submitters. Of the 4 affected individuals, 2 were compound heterozygotes that carried a reported pathogenic variant in trans, which increases the likelihood that the p.Glu99AspfsTer21 variant is pathogenic (Variation ID: 3196; PMID: 14749921, PMID:15942154). This variant is predicted to cause a frameshift, which alters the protein's amino acid sequence beginning at position 99 and leads to a premature termination codon 21 amino acids downstream. This alteration is then predicted to lead to a truncated or absent protein. Loss of function of the SBDS gene is an established disease mechanism in autosomal recessive Shwachman-Diamond syndrome. In summary, this variant meets criteria to be classified as pathogenic for autosomal recessive Shwachman-Diamond syndrome. ACMG/AMP Criteria applied: PVS1, PM3_strong, PM2_supporting (Richards 2015).

GeneDx
Classification: Pathogenic. Last evaluated: 2024-08-26. Review status: criteria provided, single submitter. Criteria: GeneDx Variant Classification Process June 2021. Collection method: clinical testing. Allele origin: germline. Affected: yes.
Comment: Observed with a second SBDS variant in two other unrelated families in published literature (PMID: 15701631); Frameshift variant predicted to result in protein truncation or nonsense mediated decay in a gene for which loss-of-function is a known mechanism of disease; Not observed at a significant frequency in large population cohorts (gnomAD); Also known as c.292_295delAAAG; This variant is associated with the following publications: (PMID: 15701631, 15942154)

Blueprint Genetics
Classification: Pathogenic for SBDS-related disorders. Last evaluated: 2022-07-14. Review status: criteria provided, single submitter. Criteria: ACMG Guidelines, 2015. Collection method: clinical testing. Allele origin: germline. Affected: yes. Observed: 1 variant allele.

Baylor Genetics
Classification: Pathogenic for Aplastic anemia. Last evaluated: 2022-07-07. Review status: criteria provided, single submitter. Criteria: ACMG Guidelines, 2015. Collection method: clinical testing. Allele origin: unknown.

Fulgent Genetics
Classification: Pathogenic for Shwachman-Diamond syndrome 1; Aplastic anemia. Last evaluated: 2022-04-22. Review status: criteria provided, single submitter. Criteria: ACMG Guidelines, 2015. Collection method: clinical testing. Allele origin: unknown.

Laboratory of Immunopathology and Genetics, Medical Laboratory of Pediatric Oncology and Hematology, Central Clinical Hospital of the Medical University of Lodz
Classification: Pathogenic for Shwachman-Diamond syndrome 1. Last evaluated: 2024-12-01. Review status: no assertion criteria provided. Collection method: clinical testing. Allele origin: germline. Affected: yes. Observed: 2 variant alleles. Not counted in ClinVar's aggregate classification.

PreventionGenetics, part of Exact Sciences
Classification: Pathogenic for SBDS-related condition. Last evaluated: 2024-01-24. Review status: no assertion criteria provided. Collection method: clinical testing. Allele origin: germline. Not counted in ClinVar's aggregate classification.
Comment: The SBDS c.297_300delAAGA variant is predicted to result in a frameshift and premature protein termination (p.Glu99Aspfs*21). This variant has been reported to be causative for Shwachman-Diamond Syndrome (Shammas et al. 2005. PubMed ID: 15701631, reported as 292_295delAAAG). This variant is reported in 0.0040% of alleles in individuals of African descent in gnomAD. Frameshift variants in SBDS are expected to be pathogenic. This variant is interpreted as pathogenic.

Clinical Genetics DNA and cytogenetics Diagnostics Lab, Erasmus MC, Erasmus Medical Center
Classification: Pathogenic. Review status: no assertion criteria provided. Collection method: clinical testing. Allele origin: germline. Affected: yes. Study: VKGL Data-share Consensus. Not counted in ClinVar's aggregate classification.

GeneReviews
No classification provided. Condition: Shwachman-Diamond syndrome 1. Review status: no classification provided. Collection method: literature only. Allele origin: germline. Not counted in ClinVar's aggregate classification.

Joint Genome Diagnostic Labs from Nijmegen and Maastricht, Radboudumc and MUMC+
Classification: Pathogenic. Review status: no assertion criteria provided. Collection method: clinical testing. Allele origin: germline. Affected: yes. Study: VKGL Data-share Consensus. Not counted in ClinVar's aggregate classification.